The following is an entry in ClinVar:

ClinVar aggregate classification (germline): Uncertain significance (1 of 4 stars; one submission).

Conditions:
Myopathy, myofibrillar, 9, with early respiratory failure (MFM9). Also called: Myopathy, distal, with early respiratory failure, autosomal dominant; EDSTROM MYOPATHY; MYOPATHY, PROXIMAL, WITH EARLY RESPIRATORY MUSCLE INVOLVEMENT; Hereditary myopathy with early respiratory failure. Identifiers: Orphanet 178464, Orphanet 34521, MedGen C1863599, MONDO:0011362, OMIM 603689.

Allele frequency attached by ClinVar (database versions not stated): gnomAD exomes below 0.00001; TOPMed below 0.00001.
gnomAD v4.1: 26 of 1,612,440 alleles (0.0016%); highest among the groups gnomAD compares: African/African-American, 0.0067%; no homozygotes.

Submission:

Baylor Genetics
Classification: Uncertain significance for Myopathy, myofibrillar, 9, with early respiratory failure. Last evaluated: 2018-12-13. Review status: criteria provided, single submitter. Criteria: ACMG Guidelines, 2015. Collection method: clinical testing. Allele origin: unknown. Affected: yes.
Comment: This variant was determined to be of uncertain significance according to ACMG Guidelines, 2015 [PMID:25741868].

NM_001267550.2(TTN):c.49265T>C (p.Ile16422Thr)

Genes: TTN (titin; minus strand), TTN-AS1 (TTN antisense RNA 1; plus strand), LOC126806426 (BRD4-independent group 4 enhancer GRCh37_chr2:179478848-179480047; plus strand). Cytogenetic location: 2q31.2.
Variant type: single nucleotide variant.
Coding change: c.49265T>C on transcript NM_001267550.2 (MANE Select); coding-DNA position 49265, T replaced by C.
Protein change: p.Ile16422Thr; replaces isoleucine 16422 with threonine.
Molecular consequence: missense variant. On other transcripts: non-coding transcript variant (1).
Genome position (GRCh38, 1-based): chr2:178,614,132, A>G on the plus strand (T>C on the coding strand, the complement: TTN is on the minus strand). VCF-style: chr2-178614132-A-G. GRCh37 (hg19) VCF-style: chr2-179478859-A-G.
Other names: c.44342T>C, p.Ile14781Thr (NM_001256850.1); c.22070T>C, p.Ile7357Thr (NM_003319.4); c.41561T>C, p.Ile13854Thr (NM_133378.4); c.22445T>C, p.Ile7482Thr (NM_133432.3); c.22646T>C, p.Ile7549Thr (NM_133437.4); short protein forms I7549T, I13854T, I7357T, I7482T, I14781T, I16422T.
Identifiers: ClinVar variation 1034243 (VCV001034243.1), dbSNP rs746167353, ClinGen allele CA60987287.